The following is an entry in ClinVar:

NM_001365536.1(SCN9A):c.5422G>T (p.Ala1808Ser)

Genes: SCN1A-AS1 (SCN1A and SCN9A antisense RNA 1; plus strand), SCN9A (sodium voltage-gated channel alpha subunit 9; minus strand). Cytogenetic location: 2q24.3.
Variant type: single nucleotide variant.
Coding change: c.5422G>T on transcript NM_001365536.1 (MANE Select); coding-DNA position 5422, G replaced by T.
Protein change: p.Ala1808Ser; replaces alanine 1808 with serine.
Molecular consequence: missense variant.
Genome position (GRCh38, 1-based): chr2:166,199,217, C>A on the plus strand (G>T on the coding strand, the complement: SCN9A is on the minus strand). VCF-style: chr2-166199217-C-A. GRCh37 (hg19) VCF-style: chr2-167055727-C-A.
Other names: c.5389G>T, p.Ala1797Ser (NM_002977.4); short protein forms A1797S, A1808S.
Identifiers: ClinVar variation 1924750 (VCV001924750.5), dbSNP rs1263871939, ClinGen allele CA349052921.

ClinVar aggregate classification (germline): Uncertain significance (1 of 4 stars; one submission).

Conditions:
Generalized epilepsy with febrile seizures plus, type 7 (GEFSP7). Also called: GEFS+, TYPE 7. Identifiers: Orphanet 36387, MedGen C2751778, MONDO:0013470, OMIM 613863.
Neuropathy, hereditary sensory and autonomic, type 2A (HSAN2A). Also called: HSAN IIA; MORVAN DISEASE; NEUROPATHY, CONGENITAL SENSORY; NEUROPATHY, HEREDITARY SENSORY RADICULAR, AUTOSOMAL RECESSIVE; NEUROPATHY, HEREDITARY SENSORY, TYPE IIA; NEUROPATHY, PROGRESSIVE SENSORY, OF CHILDREN. Identifiers: Orphanet 970, MedGen C2752089, MONDO:0024309, OMIM 201300.

Allele frequency attached by ClinVar (database versions not stated): TOPMed 0.00001.

Submission:

Labcorp Genetics (formerly Invitae), Labcorp
Classification: Uncertain significance for Neuropathy, hereditary sensory and autonomic, type 2A; Generalized epilepsy with febrile seizures plus, type 7. Last evaluated: 2023-10-13. Review status: criteria provided, single submitter. Criteria: Invitae Variant Classification Sherloc (09022015). Collection method: clinical testing. Allele origin: germline.
Comment: This sequence change replaces alanine, which is neutral and non-polar, with serine, which is neutral and polar, at codon 1797 of the SCN9A protein (p.Ala1797Ser). This variant is not present in population databases (gnomAD no frequency). This variant has not been reported in the literature in individuals affected with SCN9A-related conditions. ClinVar contains an entry for this variant (Variation ID: 1924750). Advanced modeling of protein sequence and biophysical properties (such as structural, functional, and spatial information, amino acid conservation, physicochemical variation, residue mobility, and thermodynamic stability) performed at Invitae indicates that this missense variant is not expected to disrupt SCN9A protein function. In summary, the available evidence is currently insufficient to determine the role of this variant in disease. Therefore, it has been classified as a Variant of Uncertain Significance.